The following is an entry in ClinVar:

NM_000497.4(CYP11B1):c.1039G>A (p.Ala347Thr)

Genes: CYP11B1 (cytochrome P450 family 11 subfamily B member 1; minus strand), LOC106799833 (CYP11B1 recombination region; plus strand). Cytogenetic location: 8q24.3.
Variant type: single nucleotide variant.
Coding change: c.1039G>A on transcript NM_000497.4 (MANE Select); coding-DNA position 1039, G replaced by A.
Protein change: p.Ala347Thr; replaces alanine 347 with threonine.
Molecular consequence: missense variant.
Genome position (GRCh38, 1-based): chr8:142,875,794, C>T on the plus strand (G>A on the coding strand, the complement: CYP11B1 is on the minus strand). VCF-style: chr8-142875794-C-T. GRCh37 (hg19) VCF-style: chr8-143957210-C-T.
Other names: c.1039G>A, p.Ala347Thr (NM_001026213.1); short protein forms A347T.
Identifiers: ClinVar variation 2658889 (VCV002658889.24), dbSNP rs1410499961, ClinGen allele CA372394008.
Genomic context (GRCh38, chr8:142,875,794, plus strand): 5'-CACGCAGCAAGGGCAGCTCGGTGGTTGCCTTCTGGGGATGTTCACTGATGCTGGCTGCGG[C>T]GGCCAGGCTCTCCTGGCGCAGGGCCTGCTGCACGTTGGGGTTCCGAGCCAGCTCAAAGAG-3'
Protein context (NP_000488.3, residues 337-357): QQALRQESLA[Ala347Thr]AASISEHPQK

ClinVar aggregate classification (germline): Uncertain significance (1 of 4 stars; one submission).

Allele frequency attached by ClinVar (database versions not stated): gnomAD 0.00002.
gnomAD v4.1: 37 of 1,613,946 alleles (0.0023%); highest among the groups gnomAD compares: Middle Eastern, 0.016%; no homozygotes.

Submission:

CeGaT Center for Human Genetics Tuebingen
Classification: Uncertain significance. Last evaluated: 2023-07-01. Review status: criteria provided, single submitter. Criteria: CeGaT Center For Human Genetics Tuebingen Variant Classification Criteria Version 2. Collection method: clinical testing. Allele origin: germline. Affected: yes. Observed: 1 variant allele.
Comment: CYP11B1: PM2